The following is an entry in ClinVar:

NM_005450.6(NOG):c.136C>T (p.Leu46Phe)

Gene: NOG (noggin; plus strand). Cytogenetic location: 17q22.
Variant type: single nucleotide variant.
Coding change: c.136C>T on transcript NM_005450.6 (MANE Select); coding-DNA position 136, C replaced by T.
Protein change: p.Leu46Phe; replaces leucine 46 with phenylalanine.
Molecular consequence: missense variant.
Genome position (GRCh38, 1-based): chr17:56,594,359, C>T. VCF-style: chr17-56594359-C-T. GRCh37 (hg19) VCF-style: chr17-54671720-C-T.
Other names: short protein forms L46F.
Identifiers: ClinVar variation 1305223 (VCV001305223.3), dbSNP rs2145567094, ClinGen allele CA399964301.

ClinVar aggregate classification (germline): Uncertain significance. Review status: criteria provided, multiple submitters, no conflicts (2 of 4 stars). 2 submissions from 2 submitters: Uncertain significance (2). Last evaluated 2019-04-23.

Submissions (2):

GeneDx
Classification: Uncertain significance. Last evaluated: 2019-04-23. Review status: criteria provided, single submitter. Criteria: GeneDx Variant Classification Process June 2021. Collection method: clinical testing. Allele origin: germline. Affected: yes.
Comment: Not observed in large population cohorts (Lek et al., 2016); In silico analysis, which includes protein predictors and evolutionary conservation, supports a deleterious effect; Has not been previously published as pathogenic or benign to our knowledge

Blueprint Genetics
Classification: Uncertain significance. Last evaluated: 2018-08-31. Review status: criteria provided, single submitter. Criteria: ACMG Guidelines, 2015. Collection method: clinical testing. Allele origin: germline.